The following is an entry in ClinVar:

NM_015425.6(POLR1A):c.915G>A (p.Pro305=)

Gene: POLR1A (RNA polymerase I subunit A; minus strand). Cytogenetic location: 2p11.2.
Variant type: single nucleotide variant.
Coding change: c.915G>A on transcript NM_015425.6 (MANE Select); coding-DNA position 915, G replaced by A.
Protein change: p.Pro305=; no amino-acid change (proline 305 retained).
Molecular consequence: synonymous variant.
Genome position (GRCh38, 1-based): chr2:86,081,609, C>T on the plus strand (G>A on the coding strand, the complement: POLR1A is on the minus strand). VCF-style: chr2-86081609-C-T. GRCh37 (hg19) VCF-style: chr2-86308732-C-T.
Identifiers: ClinVar variation 797765 (VCV000797765.11), dbSNP rs774970769, ClinGen allele CA1746498.
Genomic context (GRCh38, chr2:86,081,609, plus strand): 5'-GTTCCTTAGTACGCTTTTTTTCAGGTGAAATAAGTTAATTAAAGGGTATTACCTTGAGGG[C>T]GGCACCACCAAGAAATCTAGAAAGAACACACTGGGATTGAATCTGGATTCCATACCATCA-3'
Protein context (NP_056240.2, residues 295-315): SVFFLDFLVV[Pro305=]PSRYRPVSRL

ClinVar aggregate classification (germline): Likely benign. Review status: criteria provided, single submitter (1 of 4 stars). 2 submissions from 2 submitters: Likely benign (1). 1 of the submissions does not count toward it. Last evaluated 2025-04-17.

Conditions:
POLR1A-related disorder. Also called: POLR1A-related condition.

Allele frequency attached by ClinVar (database versions not stated): gnomAD exomes 0.00003 and 0.00010; gnomAD 0.00004; ExAC 0.00009; TOPMed 0.00009.
gnomAD v4.1: 41 of 1,584,502 alleles (0.0026%); highest among the groups gnomAD compares: Admixed American, 0.053%; no homozygotes.

Submissions (2):

Labcorp Genetics (formerly Invitae), Labcorp
Classification: Likely benign. Last evaluated: 2025-04-17. Review status: criteria provided, single submitter. Criteria: Invitae Variant Classification Sherloc (09022015). Collection method: clinical testing. Allele origin: germline.

PreventionGenetics, part of Exact Sciences
Classification: Likely benign for POLR1A-related condition. Last evaluated: 2019-05-20. Review status: no assertion criteria provided. Collection method: clinical testing. Allele origin: germline. Not counted in ClinVar's aggregate classification.
Comment: This variant is classified as likely benign based on ACMG/AMP sequence variant interpretation guidelines (Richards et al. 2015 PMID: 25741868, with internal and published modifications).